The following is an entry in ClinVar:

ClinVar aggregate classification (germline): Uncertain significance (1 of 4 stars; one submission).

Conditions:
Familial thoracic aortic aneurysm and aortic dissection (TAAD). Also called: Thoracic aortic aneurysms and dissections. Identifiers: Orphanet 91387, MedGen C4707243, MONDO:0019625.

Allele frequency attached by ClinVar (database versions not stated): ExAC 0.00001.
gnomAD v4.1: 4 of 1,614,102 alleles (0.00025%); highest among the groups gnomAD compares: Non-Finnish European, 0.00034%; no homozygotes.

Submission:

Ambry Genetics
Classification: Uncertain significance for Familial thoracic aortic aneurysm and aortic dissection. Last evaluated: 2021-01-29. Review status: criteria provided, single submitter. Criteria: Ambry Variant Classification Scheme 2023. Collection method: clinical testing. Allele origin: germline.
Comment: The c.1271C>T (p.T424I) alteration is located in exon 8 (coding exon 8) of the COL5A1 gene. This alteration results from a C to T substitution at nucleotide position 1271, causing the threonine (T) at amino acid position 424 to be replaced by an isoleucine (I). Based on data from the Genome Aggregation Database (gnomAD) database, the COL5A1 c.1271C>T alteration was observed in 0.0008% (2/248,984) of total alleles studied, with a frequency of 0.002% (2/111,338) in the European (non-Finnish) subpopulation. The p.T424 amino acid is not conserved in available vertebrate species. The p.T424I alteration is predicted to be tolerated by in silico analysis. Based on insufficient or conflicting evidence, the clinical significance of this alteration remains unclear.

NM_000093.5(COL5A1):c.1271C>T (p.Thr424Ile)

Gene: COL5A1 (collagen type V alpha 1 chain; plus strand). Cytogenetic location: 9q34.3.
Variant type: single nucleotide variant.
Coding change: c.1271C>T on transcript NM_000093.5 (MANE Select); coding-DNA position 1271, C replaced by T.
Protein change: p.Thr424Ile; replaces threonine 424 with isoleucine.
Molecular consequence: missense variant.
Genome position (GRCh38, 1-based): chr9:134,731,602, C>T. VCF-style: chr9-134731602-C-T. GRCh37 (hg19) VCF-style: chr9-137623448-C-T.
Other names: c.1271C>T, p.Thr424Ile (NM_001278074.1); short protein forms T424I.
Identifiers: ClinVar variation 2229069 (VCV002229069.2), dbSNP rs752619850, ClinGen allele CA5318695.